The following is an entry in ClinVar:

ClinVar aggregate classification (germline): Uncertain significance (1 of 4 stars; one submission).

Submission:

Labcorp Genetics (formerly Invitae), Labcorp
Classification: Uncertain significance. Last evaluated: 2024-11-18. Review status: criteria provided, single submitter. Criteria: Invitae Variant Classification Sherloc (09022015). Collection method: clinical testing. Allele origin: germline.
Comment: This sequence change replaces histidine, which is basic and polar, with glutamine, which is neutral and polar, at codon 337 of the CCT2 protein (p.His337Gln). This variant is not present in population databases (gnomAD no frequency). This variant has not been reported in the literature in individuals affected with CCT2-related conditions. ClinVar contains an entry for this variant (Variation ID: 1484374). An algorithm developed to predict the effect of missense changes on protein structure and function (PolyPhen-2) suggests that this variant is likely to be tolerated. In summary, the available evidence is currently insufficient to determine the role of this variant in disease. Therefore, it has been classified as a Variant of Uncertain Significance.

NM_006431.3(CCT2):c.1011C>A (p.His337Gln)

Gene: CCT2 (chaperonin containing TCP1 subunit 2; plus strand). Cytogenetic location: 12q15.
Variant type: single nucleotide variant.
Coding change: c.1011C>A on transcript NM_006431.3 (MANE Select); coding-DNA position 1011, C replaced by A.
Protein change: p.His337Gln; replaces histidine 337 with glutamine.
Molecular consequence: missense variant.
Genome position (GRCh38, 1-based): chr12:69,597,184, C>A. VCF-style: chr12-69597184-C-A. GRCh37 (hg19) VCF-style: chr12-69990964-C-A.
Other names: c.870C>A, p.His290Gln (NM_001198842.2); short protein forms H290Q, H337Q.
Identifiers: ClinVar variation 1484374 (VCV001484374.8), dbSNP rs374224420, ClinGen allele CA385730134.
Genomic context (GRCh38, chr12:69,597,184, plus strand): 5'-TGCATTTAACTAATACATGTTTATGTTTATAGGTGGTGAAATTGCCTCTACCTTTGATCA[C>A]CCAGAACTGGTGAAGCTTGGAAGTTGCAAACTTATCGAGGAAGTCATGATTGGAGAAGAC-3'
Protein context (NP_006422.1, residues 327-347): TGGEIASTFD[His337Gln]PELVKLGSCK